The following is an entry in ClinVar:

ClinVar aggregate classification (germline): Pathogenic (1 of 4 stars; one submission).

Conditions:
Fanconi anemia complementation group J. Also called: BRIP1-Related Fanconi Anemia. Identifiers: Orphanet 84, MedGen C1836860, MONDO:0012187, OMIM 609054.
Familial cancer of breast. Also called: BREAST CANCER, FAMILIAL; Hereditary breast cancer; hereditary breast carcinoma. Identifiers: Orphanet 227535, MedGen C0346153, MONDO:0016419, OMIM 114480. Disease mechanism: loss of function.

Submission:

Labcorp Genetics (formerly Invitae), Labcorp
Classification: Pathogenic for Familial cancer of breast; Fanconi anemia complementation group J. Last evaluated: 2024-08-21. Review status: criteria provided, single submitter. Criteria: Invitae Variant Classification Sherloc (09022015). Collection method: clinical testing. Allele origin: germline.
Comment: This sequence change creates a premature translational stop signal (p.Tyr817*) in the BRIP1 gene. It is expected to result in an absent or disrupted protein product. Loss-of-function variants in BRIP1 are known to be pathogenic (PMID: 16116423, 17033622, 21964575). This variant is not present in population databases (gnomAD no frequency). This variant has not been reported in the literature in individuals affected with BRIP1-related conditions. Algorithms developed to predict the effect of sequence changes on RNA splicing suggest that this variant may create or strengthen a splice site. For these reasons, this variant has been classified as Pathogenic.

Literature cited by the submitters: PubMed 16116423; PubMed 17033622; PubMed 21964575.

NM_032043.3(BRIP1):c.2451T>A (p.Tyr817Ter)

Gene: BRIP1 (BRCA1 interacting DNA helicase 1; minus strand). Cytogenetic location: 17q23.2.
Variant type: single nucleotide variant.
Coding change: c.2451T>A on transcript NM_032043.3 (MANE Select); coding-DNA position 2451, T replaced by A.
Protein change: p.Tyr817Ter; replaces tyrosine 817 with a stop codon.
Molecular consequence: nonsense.
Genome position (GRCh38, 1-based): chr17:61,715,992, A>T on the plus strand (T>A on the coding strand, the complement: BRIP1 is on the minus strand). VCF-style: chr17-61715992-A-T. GRCh37 (hg19) VCF-style: chr17-59793353-A-T.
Other names: short protein forms Y817*.
Identifiers: ClinVar variation 3757790 (VCV003757790.2).